The following is an entry in ClinVar:

ClinVar aggregate classification (germline): Uncertain significance (1 of 4 stars; one submission).

Submission:

Greenwood Genetic Center Diagnostic Laboratories, Greenwood Genetic Center
Classification: Uncertain significance. Last evaluated: 2024-01-10. Review status: criteria provided, single submitter. Criteria: ACMG Guidelines, 2015. Collection method: clinical testing. Allele origin: germline. Affected: yes.
Comment: PM2, PP2, PP3

NM_005862.3(STAG1):c.1706A>T (p.Glu569Val)

Gene: STAG1 (STAG1 cohesin complex component; minus strand). Cytogenetic location: 3q22.3.
Variant type: single nucleotide variant.
Coding change: c.1706A>T on transcript NM_005862.3 (MANE Select); coding-DNA position 1706, A replaced by T.
Protein change: p.Glu569Val; replaces glutamic acid 569 with valine.
Molecular consequence: missense variant.
Genome position (GRCh38, 1-based): chr3:136,422,989, T>A on the plus strand (A>T on the coding strand, the complement: STAG1 is on the minus strand). VCF-style: chr3-136422989-T-A. GRCh37 (hg19) VCF-style: chr3-136141831-T-A.
Other names: short protein forms E569V.
Identifiers: ClinVar variation 3235830 (VCV003235830.1), dbSNP rs2530398390, ClinGen allele CA354645155.